The following is an entry in ClinVar:

ClinVar aggregate classification (germline): Uncertain significance (1 of 4 stars; one submission).

Conditions:
Cardiovascular phenotype. Identifiers: MedGen CN230736.

Allele frequency attached by ClinVar (database versions not stated): gnomAD 0.00001; TOPMed 0.00001.
gnomAD v4.1: 5 of 1,611,534 alleles (0.00031%); highest among the groups gnomAD compares: South Asian, 0.0011%; no homozygotes.

Submission:

Ambry Genetics
Classification: Uncertain significance for Cardiovascular phenotype. Last evaluated: 2022-03-15. Review status: criteria provided, single submitter. Criteria: Ambry Variant Classification Scheme 2023. Collection method: clinical testing. Allele origin: germline.
Comment: The p.I250M variant (also known as c.750C>G), located in coding exon 1 of the KCNJ5 gene, results from a C to G substitution at nucleotide position 750. The isoleucine at codon 250 is replaced by methionine, an amino acid with highly similar properties. This amino acid position is highly conserved in available vertebrate species. In addition, the in silico prediction for this alteration is inconclusive. Since supporting evidence is limited at this time, the clinical significance of this alteration remains unclear.

NM_000890.5(KCNJ5):c.750C>G (p.Ile250Met)

Gene: KCNJ5 (potassium inwardly rectifying channel subfamily J member 5; plus strand). Cytogenetic location: 11q24.3.
Variant type: single nucleotide variant.
Coding change: c.750C>G on transcript NM_000890.5 (MANE Select); coding-DNA position 750, C replaced by G.
Protein change: p.Ile250Met; replaces isoleucine 250 with methionine.
Molecular consequence: missense variant.
Genome position (GRCh38, 1-based): chr11:128,912,023, C>G. VCF-style: chr11-128912023-C-G. GRCh37 (hg19) VCF-style: chr11-128781918-C-G.
Other names: c.750C>G, p.Ile250Met (NM_001354169.2); short protein forms I250M.
Identifiers: ClinVar variation 1759248 (VCV001759248.2), dbSNP rs1305792469, ClinGen allele CA383249983.